The following is an entry in ClinVar:

NM_004304.5(ALK):c.2527G>A (p.Gly843Arg)

Gene: ALK (ALK receptor tyrosine kinase; minus strand). Cytogenetic location: 2p23.2.
Variant type: single nucleotide variant.
Coding change: c.2527G>A on transcript NM_004304.5 (MANE Select); coding-DNA position 2527, G replaced by A.
Protein change: p.Gly843Arg; replaces glycine 843 with arginine.
Molecular consequence: missense variant.
Genome position (GRCh38, 1-based): chr2:29,232,409, C>T on the plus strand (G>A on the coding strand, the complement: ALK is on the minus strand). VCF-style: chr2-29232409-C-T. GRCh37 (hg19) VCF-style: chr2-29455275-C-T.
Other names: short protein forms G843R.
Identifiers: ClinVar variation 858266 (VCV000858266.9), dbSNP rs748379491, ClinGen allele CA1594271.

ClinVar aggregate classification (germline): Uncertain significance. Review status: criteria provided, multiple submitters, no conflicts (2 of 4 stars). 3 submissions from 3 submitters: Uncertain significance (3). Last evaluated 2025-10-13.

Conditions:
Neuroblastoma, susceptibility to, 3. Also called: ALK-Related Neuroblastic Tumor Susceptibility. Identifiers: Orphanet 635, MedGen C2751681, MONDO:0013083, OMIM 613014.
Hereditary cancer-predisposing syndrome. Also called: Hereditary neoplastic syndrome; Tumor predisposition; Neoplastic Syndromes, Hereditary; Hereditary Cancer Syndrome. Identifiers: Orphanet 140162, MedGen C0027672, MeSH D009386, MONDO:0015356.

Allele frequency attached by ClinVar (database versions not stated): gnomAD 0.00001; gnomAD exomes 0.00001 and 0.00002; TOPMed 0.00001; ExAC 0.00002.
gnomAD v4.1: 21 of 1,614,148 alleles (0.0013%); highest among the groups gnomAD compares: Non-Finnish European, 0.0016%; no homozygotes.

Submissions (3):

Labcorp Genetics (formerly Invitae), Labcorp
Classification: Uncertain significance for Neuroblastoma, susceptibility to, 3. Last evaluated: 2025-10-13. Review status: criteria provided, single submitter. Criteria: Invitae Variant Classification Sherloc (09022015). Collection method: clinical testing. Allele origin: germline.
Comment: This sequence change replaces glycine, which is neutral and non-polar, with arginine, which is basic and polar, at codon 843 of the ALK protein (p.Gly843Arg). This variant is present in population databases (rs748379491, gnomAD 0.004%). This variant has not been reported in the literature in individuals affected with ALK-related conditions. ClinVar contains an entry for this variant (Variation ID: 858266). An algorithm developed to predict the effect of missense changes on protein structure and function (PolyPhen-2) suggests that this variant is likely to be disruptive. In summary, the available evidence is currently insufficient to determine the role of this variant in disease. Therefore, it has been classified as a Variant of Uncertain Significance.

Ambry Genetics
Classification: Uncertain significance for Hereditary cancer-predisposing syndrome. Last evaluated: 2024-12-08. Review status: criteria provided, single submitter. Criteria: Ambry Variant Classification Scheme 2023. Collection method: clinical testing. Allele origin: germline.
Comment: The p.G843R variant (also known as c.2527G>A), located in coding exon 15 of the ALK gene, results from a G to A substitution at nucleotide position 2527. The glycine at codon 843 is replaced by arginine, an amino acid with dissimilar properties. This amino acid position is highly conserved in available vertebrate species. In addition, this alteration is predicted to be deleterious by in silico analysis. Based on the available evidence, the clinical significance of this variant remains unclear.

GeneDx
Classification: Uncertain significance. Last evaluated: 2024-10-14. Review status: criteria provided, single submitter. Criteria: GeneDx Variant Classification Process June 2021. Collection method: clinical testing. Allele origin: germline. Affected: yes.
Comment: Not observed at significant frequency in large population cohorts (gnomAD); In silico analysis supports that this missense variant has a deleterious effect on protein structure/function; Has not been previously published as pathogenic or benign to our knowledge